The following is an entry in ClinVar:

NM_001253697.2(ERBIN):c.3230A>G (p.Gln1077Arg)

Gene: ERBIN (erbb2 interacting protein; plus strand). Cytogenetic location: 5q12.3.
Variant type: single nucleotide variant.
Coding change: c.3230A>G on transcript NM_001253697.2 (MANE Select); coding-DNA position 3230, A replaced by G.
Protein change: p.Gln1077Arg; replaces glutamine 1077 with arginine.
Molecular consequence: missense variant.
Genome position (GRCh38, 1-based): chr5:66,054,548, A>G. VCF-style: chr5-66054548-A-G. GRCh37 (hg19) VCF-style: chr5-65350376-A-G.
Other names: c.3230A>G, p.Gln1077Arg (NM_018695.4, NM_001006600.3, NM_001253698.2 and 1 more transcripts); c.3218A>G, p.Gln1073Arg (NM_001253701.2); short protein forms Q1073R, Q1077R.
Identifiers: ClinVar variation 1720713 (VCV001720713.5), dbSNP rs2546815297, ClinGen allele CA359869289.

ClinVar aggregate classification (germline): Uncertain significance (1 of 4 stars; one submission).

Submission:

Labcorp Genetics (formerly Invitae), Labcorp
Classification: Uncertain significance. Last evaluated: 2022-09-30. Review status: criteria provided, single submitter. Criteria: Invitae Variant Classification Sherloc (09022015). Collection method: clinical testing. Allele origin: germline.
Comment: In summary, the available evidence is currently insufficient to determine the role of this variant in disease. Therefore, it has been classified as a Variant of Uncertain Significance. Algorithms developed to predict the effect of missense changes on protein structure and function are either unavailable or do not agree on the potential impact of this missense change (SIFT: "Deleterious"; PolyPhen-2: "Probably Damaging"; Align-GVGD: "Class C0"). This variant has not been reported in the literature in individuals affected with ERBIN-related conditions. This variant is not present in population databases (gnomAD no frequency). This sequence change replaces glutamine, which is neutral and polar, with arginine, which is basic and polar, at codon 1077 of the ERBIN protein (p.Gln1077Arg).